The following is an entry in ClinVar:

ClinVar aggregate classification (germline): Uncertain significance (1 of 4 stars; one submission).

Conditions:
Joubert syndrome. Also called: CEREBELLOPARENCHYMAL DISORDER IV; JOUBERT-BOLTSHAUSER SYNDROME; Familial aplasia of the vermis. Identifiers: Orphanet 475, MedGen C5979921, MONDO:0018772.
Meckel-Gruber syndrome. Also called: DYSENCEPHALIA SPLANCHNOCYSTICA; GRUBER SYNDROME; Dysencephalia splachnocystica. Identifiers: Orphanet 564, MedGen C0265215, MONDO:0018921.

Submission:

Labcorp Genetics (formerly Invitae), Labcorp
Classification: Uncertain significance for Joubert syndrome; Meckel-Gruber syndrome. Last evaluated: 2022-06-07. Review status: criteria provided, single submitter. Criteria: Invitae Variant Classification Sherloc (09022015). Collection method: clinical testing. Allele origin: germline.
Comment: This sequence change falls in intron 19 of the TMEM67 gene. It does not directly change the encoded amino acid sequence of the TMEM67 protein. It affects a nucleotide within the consensus splice site. This variant is not present in population databases (gnomAD no frequency). This variant has not been reported in the literature in individuals affected with TMEM67-related conditions. Variants that disrupt the consensus splice site are a relatively common cause of aberrant splicing (PMID: 17576681, 9536098). Algorithms developed to predict the effect of sequence changes on RNA splicing suggest that this variant is not likely to affect RNA splicing. In summary, the available evidence is currently insufficient to determine the role of this variant in disease. Therefore, it has been classified as a Variant of Uncertain Significance.

Literature cited by the submitters: PubMed 17576681; PubMed 9536098.

NM_153704.6(TMEM67):c.1961-3C>T

Gene: TMEM67 (transmembrane protein 67; plus strand). Cytogenetic location: 8q22.1.
Variant type: single nucleotide variant.
Coding change: c.1961-3C>T on transcript NM_153704.6 (MANE Select); 3 bases into the intron before coding-DNA position 1961, C replaced by T.
Molecular consequence: intron variant.
Genome position (GRCh38, 1-based): chr8:93,797,328, C>T. VCF-style: chr8-93797328-C-T. GRCh37 (hg19) VCF-style: chr8-94809556-C-T.
Other names: c.1718-3C>T (NM_001142301.1).
Identifiers: ClinVar variation 1996337 (VCV001996337.4), dbSNP rs746432116, ClinGen allele CA2580079095.